The following is an entry in ClinVar:

ClinVar aggregate classification (germline): Uncertain significance. Review status: criteria provided, multiple submitters, no conflicts (2 of 4 stars). 2 submissions from 2 submitters: Uncertain significance (2). Last evaluated 2024-02-28.

Conditions:
Inborn genetic diseases. Identifiers: MedGen C0950123, MeSH D030342.

Allele frequency attached by ClinVar (database versions not stated): gnomAD exomes below 0.00001.
gnomAD v4.1: 1 of 1,612,920 alleles (0.000062%); highest among the groups gnomAD compares: East Asian, 0.0022%; no homozygotes.

Submissions (2):

Ambry Genetics
Classification: Uncertain significance for Inborn genetic diseases. Last evaluated: 2024-02-28. Review status: criteria provided, single submitter. Criteria: Ambry Variant Classification Scheme 2023. Collection method: clinical testing. Allele origin: germline.

Labcorp Genetics (formerly Invitae), Labcorp
Classification: Uncertain significance. Last evaluated: 2022-10-04. Review status: criteria provided, single submitter. Criteria: Invitae Variant Classification Sherloc (09022015). Collection method: clinical testing. Allele origin: germline.
Comment: This variant is present in population databases (no rsID available, gnomAD 0.006%). In summary, the available evidence is currently insufficient to determine the role of this variant in disease. Therefore, it has been classified as a Variant of Uncertain Significance. Advanced modeling of protein sequence and biophysical properties (such as structural, functional, and spatial information, amino acid conservation, physicochemical variation, residue mobility, and thermodynamic stability) performed at Invitae indicates that this missense variant is not expected to disrupt LRP5 protein function. This variant has not been reported in the literature in individuals affected with LRP5-related conditions. This sequence change replaces glycine, which is neutral and non-polar, with aspartic acid, which is acidic and polar, at codon 1294 of the LRP5 protein (p.Gly1294Asp).

NM_002335.4(LRP5):c.3881G>A (p.Gly1294Asp)

Gene: LRP5 (LDL receptor related protein 5; plus strand). Cytogenetic location: 11q13.2.
Variant type: single nucleotide variant.
Coding change: c.3881G>A on transcript NM_002335.4 (MANE Select); coding-DNA position 3881, G replaced by A.
Protein change: p.Gly1294Asp; replaces glycine 1294 with aspartic acid.
Molecular consequence: missense variant.
Genome position (GRCh38, 1-based): chr11:68,433,719, G>A. VCF-style: chr11-68433719-G-A. GRCh37 (hg19) VCF-style: chr11-68201187-G-A.
Other names: c.2138G>A, p.Gly713Asp (NM_001291902.2); c.3881G>A (NM_002335.2); short protein forms G1294D, G713D.
Identifiers: ClinVar variation 1720043 (VCV001720043.6), dbSNP rs1304454986, ClinGen allele CA381613823.
Genomic context (GRCh38, chr11:68,433,719, plus strand): 5'-TCCCCGGGGCCTGGCGCTGTGACGGCTTTCCCGAGTGCGATGACCAGAGCGACGAGGAGG[G>A]CTGCCCCGTGTGCTCCGCCGCCCAGTTCCCCTGCGCGCGGGGTCAGTGTGTGGACCTGCG-3'
Protein context (NP_002326.2, residues 1284-1304): PECDDQSDEE[Gly1294Asp]CPVCSAAQFP